The following is an entry in ClinVar:

ClinVar aggregate classification (germline): Uncertain significance (1 of 4 stars; one submission).

Conditions:
Pontocerebellar hypoplasia type 1A (PCH1A). Also called: PONTOCEREBELLAR HYPOPLASIA WITH ANTERIOR HORN CELL DISEASE; PONTOCEREBELLAR HYPOPLASIA WITH INFANTILE SPINAL MUSCULAR ATROPHY. Identifiers: Orphanet 2254, Orphanet 88616, MedGen C1843504, MONDO:0011866, OMIM 607596.

Submission:

Labcorp Genetics (formerly Invitae), Labcorp
Classification: Uncertain significance for Pontocerebellar hypoplasia type 1A. Last evaluated: 2019-01-20. Review status: criteria provided, single submitter. Criteria: Invitae Variant Classification Sherloc (09022015). Collection method: clinical testing. Allele origin: germline.
Comment: This sequence change affects codon 161 of the VRK1 mRNA. It is a 'silent' change, meaning that it does not change the encoded amino acid sequence of the VRK1 protein. This variant is not present in population databases (ExAC no frequency). This variant has not been reported in the literature in individuals with VRK1-related conditions. Algorithms developed to predict the effect of sequence changes on RNA splicing suggest that this variant is not likely to affect RNA splicing, but this prediction has not been confirmed by published transcriptional studies. In summary, the available evidence is currently insufficient to determine the role of this variant in disease. Therefore, it has been classified as a Variant of Uncertain Significance.

NM_003384.3(VRK1):c.483T>A (p.Ile161=)

Gene: VRK1 (VRK serine/threonine kinase 1; plus strand). Cytogenetic location: 14q32.2.
Variant type: single nucleotide variant.
Coding change: c.483T>A on transcript NM_003384.3 (MANE Select); coding-DNA position 483, T replaced by A.
Protein change: p.Ile161=; no amino-acid change (isoleucine 161 retained).
Molecular consequence: synonymous variant.
Genome position (GRCh38, 1-based): chr14:96,852,939, T>A. VCF-style: chr14-96852939-T-A. GRCh37 (hg19) VCF-style: chr14-97319276-T-A.
Identifiers: ClinVar variation 834310 (VCV000834310.4), dbSNP rs1888008625, ClinGen allele CA487861258.